The following is an entry in ClinVar:

ClinVar aggregate classification (germline): Pathogenic (1 of 4 stars; one submission).

Submission:

Labcorp Genetics (formerly Invitae), Labcorp
Classification: Pathogenic. Last evaluated: 2023-11-29. Review status: criteria provided, single submitter. Criteria: Invitae Variant Classification Sherloc (09022015). Collection method: clinical testing. Allele origin: unknown.
Comment: This variant is a gross deletion of the genomic region encompassing exon(s) 7-9 of the GALNT3 gene. This variant would be expected to be in-frame, preserving the integrity of the reading frame. This variant has not been reported in the literature in individuals affected with GALNT3-related conditions. This variant disrupts a region of the GALNT3 protein in which other variant(s) (p.Arg438Cys) have been determined to be pathogenic (PMID: 18982401, 21347749, 27164190; Invitae). This suggests that this is a clinically significant region of the protein, and that variants that disrupt it are likely to be disease-causing. For these reasons, this variant has been classified as Pathogenic.

Literature cited by the submitters: PubMed 18982401; PubMed 21347749; PubMed 27164190.

NC_000002.11:g.(?_166611117)_(166613777_?)del

Gene: GALNT3 (polypeptide N-acetylgalactosaminyltransferase 3; minus strand). Cytogenetic location: 2q24.3.
Variant type: Deletion.
Identifiers: ClinVar variation 3247526 (VCV003247526.1).